The following is an entry in ClinVar:

ClinVar aggregate classification (germline): Uncertain significance (1 of 4 stars; one submission).

Allele frequency attached by ClinVar (database versions not stated): ExAC 0.00001.

Submission:

Labcorp Genetics (formerly Invitae), Labcorp
Classification: Uncertain significance. Last evaluated: 2022-06-03. Review status: criteria provided, single submitter. Criteria: Invitae Variant Classification Sherloc (09022015). Collection method: clinical testing. Allele origin: germline.
Comment: In summary, the available evidence is currently insufficient to determine the role of this variant in disease. Therefore, it has been classified as a Variant of Uncertain Significance. Algorithms developed to predict the effect of missense changes on protein structure and function (SIFT, PolyPhen-2, Align-GVGD) all suggest that this variant is likely to be tolerated. This variant has not been reported in the literature in individuals affected with PRPF8-related conditions. This variant is present in population databases (rs779586060, gnomAD 0.003%). This sequence change replaces serine, which is neutral and polar, with leucine, which is neutral and non-polar, at codon 26 of the PRPF8 protein (p.Ser26Leu).

NM_006445.4(PRPF8):c.77C>T (p.Ser26Leu)

Gene: PRPF8 (pre-mRNA processing factor 8; minus strand). Cytogenetic location: 17p13.3.
Variant type: single nucleotide variant.
Coding change: c.77C>T on transcript NM_006445.4 (MANE Select); coding-DNA position 77, C replaced by T.
Protein change: p.Ser26Leu; replaces serine 26 with leucine.
Molecular consequence: missense variant.
Genome position (GRCh38, 1-based): chr17:1,684,495, G>A on the plus strand (C>T on the coding strand, the complement: PRPF8 is on the minus strand). VCF-style: chr17-1684495-G-A. GRCh37 (hg19) VCF-style: chr17-1587789-G-A.
Other names: short protein forms S26L.
Identifiers: ClinVar variation 2052942 (VCV002052942.4), dbSNP rs779586060, ClinGen allele CA8272747.
Genomic context (GRCh38, chr17:1,684,495, plus strand): 5'-CCTCCGGCCCGCGCGCCGCTCCACACTCTCGCCTCACCTTTCTCCTGCAGCTTCTCCTCC[G>A]ACATGTAGTCCGGTAGCGGGGCTAGAGGGCCAGGCACCGGGTTACCCGGCCCTCGATAAG-3'
Protein context (NP_006436.3, residues 16-36): GPLAPLPDYM[Ser26Leu]EEKLQEKARK